The following is an entry in ClinVar:

ClinVar aggregate classification (germline): Uncertain significance (1 of 4 stars; one submission).

Conditions:
Ehlers-Danlos syndrome, classic type, 1 (EDSCL1). Also called: EHLERS-DANLOS SYNDROME, GRAVIS TYPE; EHLERS-DANLOS SYNDROME, SEVERE CLASSIC TYPE; Ehlers-Danlos syndrome, type 1; Ehlers-Danlos Syndrome, Classic Type, COL5A1-Related; EDS I. Identifiers: MedGen C0268335, MONDO:0019567, OMIM 130000.

Submission:

Labcorp Genetics (formerly Invitae), Labcorp
Classification: Uncertain significance for Ehlers-Danlos syndrome, classic type, 1. Last evaluated: 2023-05-30. Review status: criteria provided, single submitter. Criteria: Invitae Variant Classification Sherloc (09022015). Collection method: clinical testing. Allele origin: germline.
Comment: This sequence change replaces alanine, which is neutral and non-polar, with threonine, which is neutral and polar, at codon 1256 of the COL5A2 protein (p.Ala1256Thr). In summary, the available evidence is currently insufficient to determine the role of this variant in disease. Therefore, it has been classified as a Variant of Uncertain Significance. Advanced modeling of protein sequence and biophysical properties (such as structural, functional, and spatial information, amino acid conservation, physicochemical variation, residue mobility, and thermodynamic stability) performed at Invitae indicates that this missense variant is not expected to disrupt COL5A2 protein function. This variant has not been reported in the literature in individuals affected with COL5A2-related conditions. This variant is not present in population databases (gnomAD no frequency).

NM_000393.5(COL5A2):c.3766G>A (p.Ala1256Thr)

Gene: COL5A2 (collagen type V alpha 2 chain; minus strand). Cytogenetic location: 2q32.2.
Variant type: single nucleotide variant.
Coding change: c.3766G>A on transcript NM_000393.5 (MANE Select); coding-DNA position 3766, G replaced by A.
Protein change: p.Ala1256Thr; replaces alanine 1256 with threonine.
Molecular consequence: missense variant.
Genome position (GRCh38, 1-based): chr2:189,039,431, C>T on the plus strand (G>A on the coding strand, the complement: COL5A2 is on the minus strand). VCF-style: chr2-189039431-C-T. GRCh37 (hg19) VCF-style: chr2-189904157-C-T.
Other names: short protein forms A1256T.
Identifiers: ClinVar variation 2749453 (VCV002749453.3), dbSNP rs2469221389, ClinGen allele CA349857846.